The following is an entry in ClinVar:

ClinVar aggregate classification (germline): Uncertain significance. Review status: criteria provided, multiple submitters, no conflicts (2 of 4 stars). 2 submissions from 2 submitters: Uncertain significance (2). Last evaluated 2025-07-03.

Conditions:
Familial thoracic aortic aneurysm and aortic dissection (TAAD). Also called: Thoracic aortic aneurysms and dissections. Identifiers: Orphanet 91387, MedGen C4707243, MONDO:0019625.

gnomAD v4.1: 2 of 1,613,998 alleles (0.00012%); highest among the groups gnomAD compares: Non-Finnish European, 0.00017%; no homozygotes.

Submissions (2):

Color Diagnostics, LLC DBA Color Health
Classification: Uncertain significance for Familial thoracic aortic aneurysm and aortic dissection. Last evaluated: 2025-07-03. Review status: criteria provided, single submitter. Criteria: ACMG Guidelines, 2015. Collection method: clinical testing. Allele origin: germline.
Comment: This missense variant replaces glutamic acid with glycine at codon 2330 of the FBN1 protein. Computational prediction is inconclusive regarding the impact of this variant on protein structure and function. To our knowledge, functional studies have not been reported for this variant. This variant has not been reported in individuals affected with FBN1-related disorders in the literature. This variant has been identified in 1/31412 chromosomes in the general population by the Genome Aggregation Database (gnomAD). The available evidence is insufficient to determine the role of this variant in disease conclusively. Therefore, this variant is classified as a Variant of Uncertain Significance.

Ambry Genetics
Classification: Uncertain significance for Familial thoracic aortic aneurysm and aortic dissection. Last evaluated: 2025-05-01. Review status: criteria provided, single submitter. Criteria: Ambry Variant Classification Scheme 2023. Collection method: clinical testing. Allele origin: germline.
Comment: The p.E2330G variant (also known as c.6989A>G), located in coding exon 56 of the FBN1 gene, results from an A to G substitution at nucleotide position 6989. The glutamic acid at codon 2330 is replaced by glycine, an amino acid with similar properties. This amino acid position is highly conserved in available vertebrate species. In addition, this alteration is predicted to be deleterious by in silico analysis. Based on the available evidence, the clinical significance of this variant remains unclear.

NM_000138.5(FBN1):c.6989A>G (p.Glu2330Gly)

Gene: FBN1 (fibrillin 1; minus strand). Cytogenetic location: 15q21.1.
Variant type: single nucleotide variant.
Coding change: c.6989A>G on transcript NM_000138.5 (MANE Select); coding-DNA position 6989, A replaced by G.
Protein change: p.Glu2330Gly; replaces glutamic acid 2330 with glycine.
Molecular consequence: missense variant.
Genome position (GRCh38, 1-based): chr15:48,428,354, T>C on the plus strand (A>G on the coding strand, the complement: FBN1 is on the minus strand). VCF-style: chr15-48428354-T-C. GRCh37 (hg19) VCF-style: chr15-48720551-T-C.
Other names: c.6989A>G, p.Glu2330Gly (NM_001406716.1); short protein forms E2330G.
Identifiers: ClinVar variation 4023417 (VCV004023417.2).
Genomic context (GRCh38, chr15:48,428,354, plus strand): 5'-CATCCCAGTGTGGAGGCTGAGGTTAGGAAAGTGCGGTGCCAACTGTACTCACCAAGGCAC[T>C]CGTCCTGGTTGGGGCTGGCGGTAAACCCATCATTACACTCACAGGTGTAGCTCCCACGGG-3'
Protein context (NP_000129.3, residues 2320-2340): DGFTASPNQD[Glu2330Gly]CLDNREGYCF